The following is an entry in ClinVar:

NM_001754.5(RUNX1):c.185A>G (p.Asp62Gly)

Gene: RUNX1 (RUNX family transcription factor 1; minus strand). Cytogenetic location: 21q22.12.
Variant type: single nucleotide variant.
Coding change: c.185A>G on transcript NM_001754.5 (MANE Select); coding-DNA position 185, A replaced by G.
Protein change: p.Asp62Gly; replaces aspartic acid 62 with glycine.
Molecular consequence: missense variant.
Genome position (GRCh38, 1-based): chr21:34,887,009, T>C on the plus strand (A>G on the coding strand, the complement: RUNX1 is on the minus strand). VCF-style: chr21-34887009-T-C. GRCh37 (hg19) VCF-style: chr21-36259306-T-C.
Other names: NM_001754.5(RUNX1):c.185A>G; p.Asp62Gly; c.104A>G, p.Asp35Gly (NM_001001890.3, NM_001122607.2); short protein forms D35G, D62G.
Identifiers: ClinVar variation 1937674 (VCV001937674.6), dbSNP rs2146412816, ClinGen allele CA410203979.
Genomic context (GRCh38, chr21:34,887,009, plus strand): 5'-AGCACCTCCACCATGCTGCGGTCGCCGCTCCTCAGCTTGCCGGCCAGGGCAGCGCCGGCG[T>C]CCGGGGCGCCCAGCGGCAACGCCTCGCTCATCTTGCCTGGGCTCAGCGCGGTGGAAGGCG-3'
Protein context (NP_001745.2, residues 52-72): MSEALPLGAP[Asp62Gly]AGAALAGKLR

ClinVar aggregate classification (germline): Uncertain significance. Review status: reviewed by expert panel (3 of 4 stars). 2 submissions from 2 submitters: Uncertain significance (1). 1 of the submissions does not count toward it. Last evaluated 2024-08-01.

Conditions:
Hereditary thrombocytopenia and hematologic cancer predisposition syndrome. Identifiers: Orphanet 71290, MedGen CN281654, MONDO:0011071.
Hereditary thrombocytopenia and hematological cancer predisposition syndrome associated with RUNX1. Also called: RUNX1 Familial Platelet Disorder with Associated Myeloid Malignancies; Familial Platelet Disorder with Propensity to Acute Myelogenous Leukemia; Familial thrombocytopenia with propensity to acute myelogenous leukemia; PLATELET DISORDER, ASPIRIN-LIKE. Identifiers: Orphanet 71290, MedGen C1832388, MeSH C563324, MONDO:0100083, OMIM 601399.

Submissions (2):

ClinGen Myeloid Malignancy Variant Curation Expert Panel
Classification: Uncertain significance for Hereditary thrombocytopenia and hematologic cancer predisposition syndrome. Last evaluated: 2024-08-01. Review status: reviewed by expert panel. Criteria: ClinGen MyeloMalig ACMG Specifications v2. Collection method: curation. Allele origin: germline. Inheritance: Autosomal dominant inheritance.
Comment: NM_001754.5(RUNX1):c.185A>G (p.Asp62Gly) is a missense variant which is completely absent from all population databases (gnomAD v2.1.1 and v3.1.2) with at least 20x coverage for RUNX1 (PM2_supporting). In addition, it has a REVEL score <0.50 (0.418) (BP4). To the best of our knowledge, this variant has not been reported in the literature. In summary, the clinical significance of this variant is uncertain. ACMG/AMP criteria applied, as specified by the Myeloid Malignancy Variant Curation Expert Panel for RUNX1: PM2_supporting, BP4.

Labcorp Genetics (formerly Invitae), Labcorp
Classification: Uncertain significance for Hereditary thrombocytopenia and hematological cancer predisposition syndrome associated with RUNX1. Last evaluated: 2022-06-25. Review status: criteria provided, single submitter. Criteria: Invitae Variant Classification Sherloc (09022015). Collection method: clinical testing. Allele origin: germline. Not counted in ClinVar's aggregate classification.
Comment: This sequence change replaces aspartic acid, which is acidic and polar, with glycine, which is neutral and non-polar, at codon 62 of the RUNX1 protein (p.Asp62Gly). In summary, the available evidence is currently insufficient to determine the role of this variant in disease. Therefore, it has been classified as a Variant of Uncertain Significance. Algorithms developed to predict the effect of missense changes on protein structure and function are either unavailable or do not agree on the potential impact of this missense change (SIFT: "Tolerated"; PolyPhen-2: "Possibly Damaging"; Align-GVGD: "Class C0"). This variant has not been reported in the literature in individuals affected with RUNX1-related conditions. This variant is not present in population databases (gnomAD no frequency).